The following is an entry in ClinVar:

NM_025114.4(CEP290):c.63A>G (p.Gln21=)

Gene: CEP290 (centrosomal protein 290; minus strand). Cytogenetic location: 12q21.32.
Variant type: single nucleotide variant.
Coding change: c.63A>G on transcript NM_025114.4 (MANE Select); coding-DNA position 63, A replaced by G.
Protein change: p.Gln21=; no amino-acid change (glutamine 21 retained).
Molecular consequence: synonymous variant.
Genome position (GRCh38, 1-based): chr12:88,141,245, T>C on the plus strand (A>G on the coding strand, the complement: CEP290 is on the minus strand). VCF-style: chr12-88141245-T-C. GRCh37 (hg19) VCF-style: chr12-88535022-T-C.
Identifiers: ClinVar variation 2643209 (VCV002643209.24), dbSNP rs2040640183, ClinGen allele CA481055443.

ClinVar aggregate classification (germline): Likely benign (1 of 4 stars; one submission).

Submission:

CeGaT Center for Human Genetics Tuebingen
Classification: Likely benign. Last evaluated: 2023-02-01. Review status: criteria provided, single submitter. Criteria: CeGaT Center For Human Genetics Tuebingen Variant Classification Criteria Version 2. Collection method: clinical testing. Allele origin: germline. Affected: yes. Observed: 1 variant allele.
Comment: CEP290: PM2:Supporting, BP4, BP7